The following is an entry in ClinVar:

NM_017739.4(POMGNT1):c.422G>A (p.Gly141Asp)

Genes: POMGNT1 (protein O-linked mannose N-acetylglucosaminyltransferase 1 (beta 1,2-); minus strand), TSPAN1 (tetraspanin 1; plus strand). Cytogenetic location: 1p34.1.
Variant type: single nucleotide variant.
Coding change: c.422G>A on transcript NM_017739.4 (MANE Select); coding-DNA position 422, G replaced by A.
Protein change: p.Gly141Asp; replaces glycine 141 with aspartic acid.
Molecular consequence: missense variant. On other transcripts: 5 prime UTR variant (1).
Genome position (GRCh38, 1-based): chr1:46,195,923, C>T on the plus strand (G>A on the coding strand, the complement: POMGNT1 is on the minus strand). VCF-style: chr1-46195923-C-T. GRCh37 (hg19) VCF-style: chr1-46661595-C-T.
Other names: c.422G>A, p.Gly141Asp (NM_001243766.2, NM_001410783.1); c.356G>A, p.Gly119Asp (NM_001290129.3); c.-8G>A (NM_001290130.2); short protein forms G141D, G119D.
Identifiers: ClinVar variation 1474276 (VCV001474276.6), dbSNP rs2148212411, ClinGen allele CA340189227.
Genomic context (GRCh38, chr1:46,195,923, plus strand): 5'-ACCATGGCCTCATCCTCATGAGGTGAGTACGTGTCAAACACACGTTTTGCCATCACGTGG[C>T]CCTGGCAGGGGATATACTTCTGGTGAGTTGGTGTCATCAGCAAGAGCCCAGCTCCAGCCC-3'
Protein context (NP_060209.4, residues 131-151): IHVIVLNQAT[Gly141Asp]HVMAKRVFDT

ClinVar aggregate classification (germline): Uncertain significance (1 of 4 stars; one submission).

Conditions:
Autosomal recessive limb-girdle muscular dystrophy type 2O. Also called: Limb-Girdle Muscular Dystrophy Type 3C; MUSCULAR DYSTROPHY-DYSTROGLYCANOPATHY (LIMB-GIRDLE), TYPE C, 3; MUSCULAR DYSTROPHY-DYSTROGLYCANOPATHY, LIMB-GIRDLE, POMGNT1-RELATED. Identifiers: Orphanet 206564, MedGen C3150417, MONDO:0013161, OMIM 613157.
Muscular dystrophy-dystroglycanopathy (congenital with impaired intellectual development), type B, 3. Also called: Muscular dystrophy-dystroglycanopathy (congenital with intellectual disability), type B3; MUSCULAR DYSTROPHY, CONGENITAL, POMGNT1-RELATED. Identifiers: MedGen C3150412, MONDO:0013155, OMIM 613151.

Submission:

Labcorp Genetics (formerly Invitae), Labcorp
Classification: Uncertain significance for Autosomal recessive limb-girdle muscular dystrophy type 2O; Muscular dystrophy-dystroglycanopathy (congenital with impaired intellectual development), type B, 3. Last evaluated: 2022-08-09. Review status: criteria provided, single submitter. Criteria: Invitae Variant Classification Sherloc (09022015). Collection method: clinical testing. Allele origin: germline.
Comment: This variant has not been reported in the literature in individuals affected with POMGNT1-related conditions. This sequence change replaces glycine, which is neutral and non-polar, with aspartic acid, which is acidic and polar, at codon 141 of the POMGNT1 protein (p.Gly141Asp). This variant is not present in population databases (gnomAD no frequency). ClinVar contains an entry for this variant (Variation ID: 1474276). Algorithms developed to predict the effect of missense changes on protein structure and function (SIFT, PolyPhen-2, Align-GVGD) all suggest that this variant is likely to be disruptive. In summary, the available evidence is currently insufficient to determine the role of this variant in disease. Therefore, it has been classified as a Variant of Uncertain Significance.